The following is an entry in ClinVar:

NM_020461.4(TUBGCP6):c.2068C>T (p.Arg690Trp)

Gene: TUBGCP6 (tubulin gamma complex component 6; minus strand). Cytogenetic location: 22q13.33.
Variant type: single nucleotide variant.
Coding change: c.2068C>T on transcript NM_020461.4 (MANE Select); coding-DNA position 2068, C replaced by T.
Protein change: p.Arg690Trp; replaces arginine 690 with tryptophan.
Molecular consequence: missense variant.
Genome position (GRCh38, 1-based): chr22:50,224,418, G>A on the plus strand (C>T on the coding strand, the complement: TUBGCP6 is on the minus strand). VCF-style: chr22-50224418-G-A. GRCh37 (hg19) VCF-style: chr22-50662847-G-A.
Other names: c.2068C>T (NM_020461.3); short protein forms R690W.
Identifiers: ClinVar variation 1021882 (VCV001021882.7), dbSNP rs774338870, ClinGen allele CA10308355.
Genomic context (GRCh38, chr22:50,224,418, plus strand): 5'-TCAGCCTCTGAAACTGCTCACGCTTCCGGGCATCCAAGGCCATCCGTTCTGACATCTGCC[G>A]GTCTACATTGGGACAGTAAGGGGCGCACTGTCACAAGGAGGCCCCAGCAAGGCCCCCCGG-3'
Protein context (NP_065194.3, residues 680-700): ASRVLSALSD[Arg690Trp]QMSERMALDA

ClinVar aggregate classification (germline): Uncertain significance. Review status: criteria provided, multiple submitters, no conflicts (2 of 4 stars). 2 submissions from 2 submitters: Uncertain significance (2). Last evaluated 2025-10-07.

Conditions:
Inborn genetic diseases. Identifiers: MedGen C0950123, MeSH D030342.

Allele frequency attached by ClinVar (database versions not stated): gnomAD exomes 0.00004 and 0.00008; ExAC 0.00002; TOPMed 0.00004.
gnomAD v4.1: 117 of 1,614,028 alleles (0.0072%); highest among the groups gnomAD compares: East Asian, 0.038%; no homozygotes.

Submissions (2):

Ambry Genetics
Classification: Uncertain significance for Inborn genetic diseases. Last evaluated: 2025-10-07. Review status: criteria provided, single submitter. Criteria: Ambry Variant Classification Scheme 2023. Collection method: clinical testing. Allele origin: germline.

Labcorp Genetics (formerly Invitae), Labcorp
Classification: Uncertain significance. Last evaluated: 2024-10-08. Review status: criteria provided, single submitter. Criteria: Invitae Variant Classification Sherloc (09022015). Collection method: clinical testing. Allele origin: germline.
Comment: This sequence change replaces arginine, which is basic and polar, with tryptophan, which is neutral and slightly polar, at codon 690 of the TUBGCP6 protein (p.Arg690Trp). This variant is present in population databases (rs774338870, gnomAD 0.03%). This variant has not been reported in the literature in individuals affected with TUBGCP6-related conditions. ClinVar contains an entry for this variant (Variation ID: 1021882). An algorithm developed to predict the effect of missense changes on protein structure and function (PolyPhen-2) suggests that this variant is likely to be disruptive. In summary, the available evidence is currently insufficient to determine the role of this variant in disease. Therefore, it has been classified as a Variant of Uncertain Significance.